The following is an entry in ClinVar:

ClinVar aggregate classification (germline): Uncertain significance (1 of 4 stars; one submission).

Conditions:
Growth delay due to insulin-like growth factor I resistance. Also called: Somatomedin end-organ insensitivity to; Somatomedin-c resistance to; IGF-1 resistance; IGF-I RESISTANCE; Insulin-Like Growth Factor I Resistance. Identifiers: Orphanet 73273, MedGen C1849157, MONDO:0010038, OMIM 270450.

Submission:

Juno Genomics, Hangzhou Juno Genomics, Inc
Classification: Uncertain significance for Growth delay due to insulin-like growth factor I resistance. Review status: criteria provided, single submitter. Criteria: ACMG Guidelines, 2015. Collection method: clinical testing. Allele origin: germline.
Comment: Missense variant in a gene that has a low rate of benign missense variation.;Multiple lines of computational evidence support a deleterious effect on the gene or gene product.;Absent from controls (or at extremely low frequency if recessive) in Genome Aggregation Database.

NM_000875.5(IGF1R):c.901G>A (p.Gly301Ser)

Gene: IGF1R (insulin like growth factor 1 receptor; plus strand). Cytogenetic location: 15q26.3.
Variant type: single nucleotide variant.
Coding change: c.901G>A on transcript NM_000875.5 (MANE Select); coding-DNA position 901, G replaced by A.
Protein change: p.Gly301Ser; replaces glycine 301 with serine.
Molecular consequence: missense variant.
Genome position (GRCh38, 1-based): chr15:98,891,585, G>A. VCF-style: chr15-98891585-G-A. GRCh37 (hg19) VCF-style: chr15-99434814-G-A.
Other names: c.901G>A, p.Gly301Ser (NM_001291858.2); short protein forms G301S.
Identifiers: ClinVar variation 5005495 (VCV005005495.2).
Genomic context (GRCh38, chr15:98,891,585, plus strand): 5'-TTCTGCGCCAACATCCTCAGCGCCGAGAGCAGCGACTCCGAGGGGTTTGTGATCCACGAC[G>A]GCGAGTGCATGCAGGAGTGCCCCTCGGGCTTCATCCGCAACGGCAGCCAGAGGTCAGTCG-3'
Protein context (NP_000866.1, residues 291-311): SDSEGFVIHD[Gly301Ser]ECMQECPSGF